The following is an entry in ClinVar:

NM_001135146.2(SLC39A8):c.220-1G>T

Gene: SLC39A8 (solute carrier family 39 member 8; minus strand). Cytogenetic location: 4q24.
Variant type: single nucleotide variant.
Coding change: c.220-1G>T on transcript NM_001135146.2 (MANE Select); the canonical splice acceptor site of the intron before coding-DNA position 220, G replaced by T.
Molecular consequence: splice acceptor variant.
Genome position (GRCh38, 1-based): chr4:102,315,831, C>A on the plus strand (G>T on the coding strand, the complement: SLC39A8 is on the minus strand). VCF-style: chr4-102315831-C-A. GRCh37 (hg19) VCF-style: chr4-103236988-C-A.
Other names: c.220-1G>T (NM_001135147.1, NM_022154.5); c.19-1G>T (NM_001135148.2).
Identifiers: ClinVar variation 3368741 (VCV003368741.2).

ClinVar aggregate classification (germline): Uncertain significance (1 of 4 stars; one submission).

Submission:

GeneDx
Classification: Uncertain significance. Last evaluated: 2025-01-29. Review status: criteria provided, single submitter. Criteria: GeneDx Variant Classification Process June 2021. Collection method: clinical testing. Allele origin: germline.
Comment: Not observed at significant frequency in large population cohorts (gnomAD); Canonical splice site variant in a gene or region of a gene for which loss of function is not a well-established mechanism of disease; Has not been previously published as pathogenic or benign to our knowledge